The following is an entry in ClinVar:

NM_003676.4(DEGS1):c.320G>A (p.Trp107Ter)

Gene: DEGS1 (delta 4-desaturase, sphingolipid 1; plus strand). Cytogenetic location: 1q42.11.
Variant type: single nucleotide variant.
Coding change: c.320G>A on transcript NM_003676.4 (MANE Select); coding-DNA position 320, G replaced by A.
Protein change: p.Trp107Ter; replaces tryptophan 107 with a stop codon.
Molecular consequence: nonsense.
Genome position (GRCh38, 1-based): chr1:224,189,814, G>A. VCF-style: chr1-224189814-G-A. GRCh37 (hg19) VCF-style: chr1-224377516-G-A.
Other names: c.320G>A, p.Trp107Ter (NM_001321541.2); c.212G>A, p.Trp71Ter (NM_001321542.2); short protein forms W107*, W71*.
Identifiers: ClinVar variation 626330 (VCV000626330.7), dbSNP rs1382083552, ClinGen allele CA344709037.

ClinVar aggregate classification (germline): Pathogenic/Likely pathogenic. Review status: criteria provided, multiple submitters, no conflicts (2 of 4 stars). 5 submissions from 5 submitters: Pathogenic (2); Likely pathogenic (2). 1 of the submissions does not count toward it. Last evaluated 2025-08-18.

Conditions:
Leukodystrophy, hypomyelinating, 18. Identifiers: MedGen C5193078, MONDO:0032730, OMIM 618404.

Allele frequency attached by ClinVar (database versions not stated): gnomAD exomes below 0.00001.
gnomAD v4.1: 1 of 1,614,148 alleles (0.000062%); highest among the groups gnomAD compares: South Asian, 0.0011%; no homozygotes.

Submissions (5):

3billion
Classification: Pathogenic for Leukodystrophy, hypomyelinating, 18. Last evaluated: 2025-08-18. Review status: criteria provided, single submitter. Criteria: ACMG Guidelines, 2015. Collection method: clinical testing. Allele origin: germline. Affected: yes.
Comment: The variant is observed at an extremely low frequency in the gnomAD v4.1.0 dataset (total allele frequency: <0.001%). Predicted Consequence/Location: Stop-gained (nonsense): predicted to result in a loss or disruption of normal protein function through nonsense-mediated decay (NMD) or protein truncation. Multiple pathogenic variants are reported downstream of the variant. The variant has been reported at least twice as pathogenic with clinical assertions and evidence for the classification (ClinVar ID: VCV000626330 /PMID: 30620337). Therefore, this variant is classified as Pathogenic according to the recommendation of ACMG/AMP guideline.

Revvity Omics, Revvity
Classification: Pathogenic for Leukodystrophy, hypomyelinating, 18. Last evaluated: 2022-07-27. Review status: criteria provided, single submitter. Criteria: ACMG Guidelines, 2015. Collection method: clinical testing. Allele origin: germline.

Broad Center for Mendelian Genomics, Broad Institute of MIT and Harvard
Classification: Likely pathogenic for Leukodystrophy, hypomyelinating, 18. Last evaluated: 2020-05-28. Review status: criteria provided, single submitter. Criteria: ACMG Guidelines, 2015. Collection method: research. Allele origin: germline. Inheritance: Autosomal recessive inheritance.
Comment: The p.Trp107Ter variant in DEGS1 has also been reported in 3 additional individuals with hypomyelinating leukodystrophy, segregated with disease in 3 affected relatives from 1 family (PMID: 30620337), and has been identified in 0.003% (1/30616) of South Asian chromosomes by the Genome Aggregation Database (gnomAD; dbSNP rs1382083552). Although this variant has been seen in the general population, its frequency is low enough to be consistent with a recessive carrier frequency. This variant has also been reported pathogenic by OMIM in ClinVar (Variation ID: 626330). The presence of this variant in 4 affected homozygotes increases the likelihood that the p.Trp107Ter variant is pathogenic (PMID: 30620337). This nonsense variant leads to a premature termination codon at position 107, which is predicted to lead to a truncated or absent protein. While there is some evidence to suggest that loss of function of the DEGS1 gene is a disease mechanism in autosomal recessive hypomyelinating leukodystrophy, this association is not yet strongly established based on the criteria laid out in Tayoun, 2018 (PMID: 30192042). In summary, although additional studies are required to fully establish its clinical significance, this variant is likely pathogenic. ACMG/AMP Criteria applied: PVS1_Strong, PM2, PM3, PP1 (Richards 2015).

SIB Swiss Institute of Bioinformatics
Classification: Likely pathogenic for Leukodystrophy, hypomyelinating, 18. Last evaluated: 2019-09-25. Review status: criteria provided, single submitter. Criteria: ACMG Guidelines, 2015. Collection method: curation. Allele origin: unknown.
Comment: This variant is interpreted as a Likely pathogenic for Leukodystrophy, hypomyelinating, 18, autosomal recessive. The following ACMG Tag(s) were applied: PM2, PVS1-Strong.

OMIM
Classification: Pathogenic for LEUKODYSTROPHY, HYPOMYELINATING, 18. Last evaluated: 2019-04-30. Review status: no assertion criteria provided. Collection method: literature only. Allele origin: germline. Not counted in ClinVar's aggregate classification.

Literature cited by the submitters: PubMed 30620337 (cited by 4 submitters).